The following is an entry in ClinVar:

ClinVar aggregate classification (germline): Uncertain significance. Review status: criteria provided, multiple submitters, no conflicts (2 of 4 stars). 2 submissions from 2 submitters: Uncertain significance (2). Last evaluated 2023-12-18.

Conditions:
Severe combined immunodeficiency due to DNA-PKcs deficiency. Also called: IMMUNODEFICIENCY 26 WITH NEUROLOGIC ABNORMALITIES; Immunodeficiency 26 with or without neurologic abnormalities. Identifiers: Orphanet 317425, MedGen C4014833, MONDO:0014423, OMIM 615966.

Allele frequency attached by ClinVar (database versions not stated): gnomAD exomes 0.00001 and 0.00002; ExAC 0.00002; TOPMed 0.00005.
gnomAD v4.1: 22 of 1,613,844 alleles (0.0014%); highest among the groups gnomAD compares: Admixed American, 0.005%; no homozygotes.

Submissions (2):

Labcorp Genetics (formerly Invitae), Labcorp
Classification: Uncertain significance for Severe combined immunodeficiency due to DNA-PKcs deficiency. Last evaluated: 2023-12-18. Review status: criteria provided, single submitter. Criteria: Invitae Variant Classification Sherloc (09022015). Collection method: clinical testing. Allele origin: germline.
Comment: This sequence change replaces alanine, which is neutral and non-polar, with threonine, which is neutral and polar, at codon 1380 of the PRKDC protein (p.Ala1380Thr). This variant is present in population databases (rs56209904, gnomAD 0.009%). This variant has not been reported in the literature in individuals affected with PRKDC-related conditions. ClinVar contains an entry for this variant (Variation ID: 625999). Advanced modeling of protein sequence and biophysical properties (such as structural, functional, and spatial information, amino acid conservation, physicochemical variation, residue mobility, and thermodynamic stability) performed at Invitae indicates that this missense variant is not expected to disrupt PRKDC protein function with a negative predictive value of 80%. In summary, the available evidence is currently insufficient to determine the role of this variant in disease. Therefore, it has been classified as a Variant of Uncertain Significance.

Center for Genomics, Ann and Robert H. Lurie Children's Hospital of Chicago
Classification: Uncertain significance for Severe combined immunodeficiency due to DNA-PKcs deficiency. Last evaluated: 2021-03-30. Review status: criteria provided, single submitter. Criteria: ACMG Guidelines, 2015. Collection method: clinical testing. Allele origin: germline.
Comment: PRKDC NM_006904.6 (LRG_162) exon 33 p.Ala1380Thr (c.4138G>A): This variant has not been reported in the literature but is present in 0.008% (3/34524) of Latino alleles in the Genome Aggregation Database. This variant amino acid Threonine (Thr) is present in 3 species (chinese hamster, golden hamster, tenrec) and is not well conserved among evolutionarily distant species; this suggests that this variant may not impact the protein. Additional computational prediction tools do not suggest an impact. In summary, data on this variant is insufficient for disease classification. Therefore, the clinical significance of this variant is uncertain.

NM_006904.7(PRKDC):c.4138G>A (p.Ala1380Thr)

Gene: PRKDC (protein kinase, DNA-activated, catalytic subunit; minus strand). Cytogenetic location: 8q11.21.
Variant type: single nucleotide variant.
Coding change: c.4138G>A on transcript NM_006904.7 (MANE Select); coding-DNA position 4138, G replaced by A.
Protein change: p.Ala1380Thr; replaces alanine 1380 with threonine.
Molecular consequence: missense variant.
Genome position (GRCh38, 1-based): chr8:47,889,156, C>T on the plus strand (G>A on the coding strand, the complement: PRKDC is on the minus strand). VCF-style: chr8-47889156-C-T. GRCh37 (hg19) VCF-style: chr8-48801717-C-T.
Other names: c.4138G>A, p.Ala1380Thr (NM_001081640.2); short protein forms A1380T.
Identifiers: ClinVar variation 625999 (VCV000625999.7), dbSNP rs56209904, ClinGen allele CA4740993.
Genomic context (GRCh38, chr8:47,889,156, plus strand): 5'-CACAAACATCAGGAAGATGAGCCATAACCTGGACGTCTCCGATGTTGAAACCTATGCTTG[C>T]GGGCTCACACAGCGTCTGCACCAGGACTCTCATCAGGTGTGTATTACACAAGTCCTTCTT-3'
Protein context (NP_008835.5, residues 1370-1390): RVLVQTLCEP[Ala1380Thr]SIGFNIGDVQ